The following is an entry in ClinVar:

NM_001329630.2(PLEKHA7):c.2826A>T (p.Pro942=)

Gene: PLEKHA7 (pleckstrin homology domain containing A7; minus strand). Cytogenetic location: 11p15.2.
Variant type: single nucleotide variant.
Coding change: c.2826A>T on transcript NM_001329630.2 (MANE Select); coding-DNA position 2826, A replaced by T.
Protein change: p.Pro942=; no amino-acid change (proline 942 retained).
Molecular consequence: synonymous variant.
Genome position (GRCh38, 1-based): chr11:16,791,119, T>A on the plus strand (A>T on the coding strand, the complement: PLEKHA7 is on the minus strand). VCF-style: chr11-16791119-T-A. GRCh37 (hg19) VCF-style: chr11-16812666-T-A.
Other names: c.2829A>T, p.Pro943= (NM_001329631.2, NM_001410960.1); c.2826A>T, p.Pro942= (NM_175058.5).
Identifiers: ClinVar variation 3054845 (VCV003054845.2), dbSNP rs151330542, ClinGen allele CA5898966.

ClinVar aggregate classification (germline): Likely benign (0 of 4 stars; one submission).

Conditions:
PLEKHA7-related disorder. Also called: PLEKHA7-related condition.

Allele frequency attached by ClinVar (database versions not stated): gnomAD exomes 0.00002; ExAC 0.00008; gnomAD 0.00009; TOPMed 0.00010; ESP Exome Variant Server 0.00015; 1000 Genomes Project 0.00040; 1000 Genomes Project 30x 0.00047.
gnomAD v4.1: 47 of 1,614,122 alleles (0.0029%); highest among the groups gnomAD compares: African/African-American, 0.045%; no homozygotes.

Submission:

PreventionGenetics, part of Exact Sciences
Classification: Likely benign for PLEKHA7-related condition. Last evaluated: 2023-12-20. Review status: no assertion criteria provided. Collection method: clinical testing. Allele origin: germline.
Comment: This variant is classified as likely benign based on ACMG/AMP sequence variant interpretation guidelines (Richards et al. 2015 PMID: 25741868, with internal and published modifications).